The following is an entry in ClinVar:

NM_013275.6(ANKRD11):c.6094C>G (p.Pro2032Ala)

Gene: ANKRD11 (ankyrin repeat domain 11; minus strand). Cytogenetic location: 16q24.3.
Variant type: single nucleotide variant.
Coding change: c.6094C>G on transcript NM_013275.6 (MANE Select); coding-DNA position 6094, C replaced by G.
Protein change: p.Pro2032Ala; replaces proline 2032 with alanine.
Molecular consequence: missense variant.
Genome position (GRCh38, 1-based): chr16:89,280,448, G>C on the plus strand (C>G on the coding strand, the complement: ANKRD11 is on the minus strand). VCF-style: chr16-89280448-G-C. GRCh37 (hg19) VCF-style: chr16-89346856-G-C.
Other names: c.6094C>G, p.Pro2032Ala (NM_001256182.2, NM_001256183.2); short protein forms P2032A.
Identifiers: ClinVar variation 1392544 (VCV001392544.5), dbSNP rs1234494052, ClinGen allele CA397152088.

ClinVar aggregate classification (germline): Uncertain significance (1 of 4 stars; one submission).

Conditions:
KBG syndrome (KBGS). Also called: ANKRD11-Related KBG Syndrome. Identifiers: Orphanet 2332, MedGen C0220687, MONDO:0007846, OMIM 148050.

Allele frequency attached by ClinVar (database versions not stated): TOPMed 0.00002.
gnomAD v4.1: 10 of 1,587,092 alleles (0.00063%); highest among the groups gnomAD compares: East Asian, 0.0023%; no homozygotes.

Submission:

Labcorp Genetics (formerly Invitae), Labcorp
Classification: Uncertain significance for KBG syndrome. Last evaluated: 2024-05-24. Review status: criteria provided, single submitter. Criteria: Invitae Variant Classification Sherloc (09022015). Collection method: clinical testing. Allele origin: germline.
Comment: This sequence change replaces proline, which is neutral and non-polar, with alanine, which is neutral and non-polar, at codon 2032 of the ANKRD11 protein (p.Pro2032Ala). This variant is present in population databases (no rsID available, gnomAD 0.007%). This variant has not been reported in the literature in individuals affected with ANKRD11-related conditions. ClinVar contains an entry for this variant (Variation ID: 1392544). Advanced modeling of protein sequence and biophysical properties (such as structural, functional, and spatial information, amino acid conservation, physicochemical variation, residue mobility, and thermodynamic stability) performed at Invitae indicates that this missense variant is not expected to disrupt ANKRD11 protein function with a negative predictive value of 95%. In summary, the available evidence is currently insufficient to determine the role of this variant in disease. Therefore, it has been classified as a Variant of Uncertain Significance.